The following is an entry in ClinVar:

NM_152383.5(DIS3L2):c.2265T>G (p.Ser755Arg)

Gene: DIS3L2 (DIS3 like 3'-5' exoribonuclease 2; plus strand). Cytogenetic location: 2q37.1.
Variant type: single nucleotide variant.
Coding change: c.2265T>G on transcript NM_152383.5 (MANE Select); coding-DNA position 2265, T replaced by G.
Protein change: p.Ser755Arg; replaces serine 755 with arginine.
Molecular consequence: missense variant. On other transcripts: non-coding transcript variant (2), intron variant (1).
Genome position (GRCh38, 1-based): chr2:232,334,475, T>G. VCF-style: chr2-232334475-T-G. GRCh37 (hg19) VCF-style: chr2-233199185-T-G.
Other names: c.1582-8870T>G (NM_001257281.2); short protein forms S755R.
Identifiers: ClinVar variation 1047117 (VCV001047117.8), dbSNP rs1695876266, ClinGen allele CA350977833.

ClinVar aggregate classification (germline): Uncertain significance (1 of 4 stars; one submission).

Conditions:
Perlman syndrome (PRLMNS). Identifiers: Orphanet 2849, MedGen C0796113, MONDO:0009965, OMIM 267000.

Submission:

Labcorp Genetics (formerly Invitae), Labcorp
Classification: Uncertain significance for Perlman syndrome. Last evaluated: 2024-04-23. Review status: criteria provided, single submitter. Criteria: Invitae Variant Classification Sherloc (09022015). Collection method: clinical testing. Allele origin: germline.
Comment: This sequence change replaces serine, which is neutral and polar, with arginine, which is basic and polar, at codon 755 of the DIS3L2 protein (p.Ser755Arg). This variant is not present in population databases (gnomAD no frequency). This variant has not been reported in the literature in individuals affected with DIS3L2-related conditions. ClinVar contains an entry for this variant (Variation ID: 1047117). Advanced modeling of protein sequence and biophysical properties (such as structural, functional, and spatial information, amino acid conservation, physicochemical variation, residue mobility, and thermodynamic stability) performed at Invitae indicates that this missense variant is not expected to disrupt DIS3L2 protein function with a negative predictive value of 80%. In summary, the available evidence is currently insufficient to determine the role of this variant in disease. Therefore, it has been classified as a Variant of Uncertain Significance.